The following is an entry in ClinVar:

NM_018714.3(COG1):c.1722C>T (p.Ser574=)

Gene: COG1 (component of oligomeric golgi complex 1; plus strand). Cytogenetic location: 17q25.1.
Variant type: single nucleotide variant.
Coding change: c.1722C>T on transcript NM_018714.3 (MANE Select); coding-DNA position 1722, C replaced by T.
Protein change: p.Ser574=; no amino-acid change (serine 574 retained).
Molecular consequence: synonymous variant.
Genome position (GRCh38, 1-based): chr17:73,201,549, C>T. VCF-style: chr17-73201549-C-T. GRCh37 (hg19) VCF-style: chr17-71197688-C-T.
Identifiers: ClinVar variation 891224 (VCV000891224.32), dbSNP rs149888309, ClinGen allele CA8740274.
Genomic context (GRCh38, chr17:73,201,549, plus strand): 5'-TTCTGCCTTTGACAGATACGCAGATGCGGGGACCGTGCAGGAGATGCTGCGGACTCAGTC[C>T]GTGGCATGCATCAAGCACATCGTGGACTGCATCCGGGCAGAGCTACAGAGCATTGAAGAG-3'
Protein context (NP_061184.1, residues 564-584): GTVQEMLRTQ[Ser574=]VACIKHIVDC

ClinVar aggregate classification (germline): Conflicting classifications of pathogenicity. Review status: criteria provided, conflicting classifications (1 of 4 stars). 3 submissions from 3 submitters: Uncertain significance (1); Likely benign (2). Last evaluated 2025-08-29.

Conditions:
COG1 congenital disorder of glycosylation (CDG2G). Also called: CONGENITAL DISORDER OF GLYCOSYLATION, TYPE IIg; CDG IIg; CDGII/COG1 CEREBROCOSTOMANDIBULAR-LIKE SYNDROME. Identifiers: Orphanet 263508, MedGen C2931011, MONDO:0012637, OMIM 611209.

Allele frequency attached by ClinVar (database versions not stated): gnomAD exomes 0.00004; ExAC 0.00006; gnomAD 0.00009 and 0.00010; TOPMed 0.00013; 1000 Genomes Project 0.00040; 1000 Genomes Project 30x 0.00047.
gnomAD v4.1: 77 of 1,614,234 alleles (0.0048%); highest among the groups gnomAD compares: African/African-American, 0.043%; no homozygotes.

Submissions (3):

Labcorp Genetics (formerly Invitae), Labcorp
Classification: Likely benign for COG1 congenital disorder of glycosylation. Last evaluated: 2025-08-29. Review status: criteria provided, single submitter. Criteria: Invitae Variant Classification Sherloc (09022015). Collection method: clinical testing. Allele origin: germline.

CeGaT Center for Human Genetics Tuebingen
Classification: Likely benign. Last evaluated: 2024-02-01. Review status: criteria provided, single submitter. Criteria: CeGaT Center For Human Genetics Tuebingen Variant Classification Criteria Version 2. Collection method: clinical testing. Allele origin: germline. Affected: yes. Observed: 1 variant allele.
Comment: COG1: BP4, BP7

Illumina Laboratory Services, Illumina
Classification: Uncertain significance for COG1 congenital disorder of glycosylation. Last evaluated: 2018-01-13. Review status: criteria provided, single submitter. Criteria: ICSL Variant Classification Criteria 13 December 2019. Collection method: clinical testing. Allele origin: germline.